The following is an entry in ClinVar:

NM_004086.3(COCH):c.*39G>T

Gene: COCH (cochlin; plus strand). Cytogenetic location: 14q12.
Variant type: single nucleotide variant.
Coding change: c.*39G>T on transcript NM_004086.3 (MANE Select); 39 bases downstream of the stop codon, G replaced by T.
Molecular consequence: 3 prime UTR variant.
Genome position (GRCh38, 1-based): chr14:30,889,830, G>T. VCF-style: chr14-30889830-G-T. GRCh37 (hg19) VCF-style: chr14-31359036-G-T.
Other names: c.*39G>T (NM_001135058.2, NM_001347720.2).
Identifiers: ClinVar variation 313008 (VCV000313008.7), dbSNP rs555882283, ClinGen allele CA7143383.

ClinVar aggregate classification (germline): Benign. Review status: criteria provided, multiple submitters, no conflicts (2 of 4 stars). 3 submissions from 3 submitters: Benign (3). Last evaluated 2020-12-15.

Conditions:
Autosomal dominant nonsyndromic hearing loss 9. Identifiers: Orphanet 90635, MedGen C1832425, MONDO:0011058, OMIM 601369.

Allele frequency attached by ClinVar (database versions not stated): gnomAD 0.00001 and 0.00027; TOPMed 0.00006; gnomAD exomes 0.00042 and 0.00087; ExAC 0.00103; 1000 Genomes Project 30x 0.00250; 1000 Genomes Project 0.00300.

Submissions (3):

GeneDx
Classification: Benign. Last evaluated: 2020-12-15. Review status: criteria provided, single submitter. Criteria: GeneDx Variant Classification Process June 2021. Collection method: clinical testing. Allele origin: germline. Affected: yes.

Illumina Laboratory Services, Illumina
Classification: Benign for Autosomal dominant nonsyndromic hearing loss 9. Last evaluated: 2018-01-12. Review status: criteria provided, single submitter. Criteria: ICSL Variant Classification Criteria 13 December 2019. Collection method: clinical testing. Allele origin: germline.
Comment: This variant was observed in the ICSL laboratory as part of a predisposition screen in an ostensibly healthy population. It had not been previously curated by ICSL or reported in the Human Gene Mutation Database (HGMD: prior to June 1st, 2018), and was therefore a candidate for classification through an automated scoring system. Utilizing variant allele frequency, disease prevalence and penetrance estimates, and inheritance mode, an automated score was calculated to assess if this variant is too frequent to cause the disease. Based on the score and internal cut-off values, a variant classified as benign is not then subjected to further curation. The score for this variant resulted in a classification of benign for this disease.

Breakthrough Genomics
Classification: Benign. Review status: criteria provided, single submitter. Criteria: ACMG Guidelines, 2015. Collection method: not provided. Allele origin: germline. Inheritance: Autosomal recessive inheritance. Affected: yes.